The following is an entry in ClinVar:

NM_000256.3(MYBPC3):c.2021C>T (p.Ser674Phe)

Gene: MYBPC3 (myosin binding protein C3; minus strand). Cytogenetic location: 11p11.2.
Variant type: single nucleotide variant.
Coding change: c.2021C>T on transcript NM_000256.3 (MANE Select); coding-DNA position 2021, C replaced by T.
Protein change: p.Ser674Phe; replaces serine 674 with phenylalanine.
Molecular consequence: missense variant.
Genome position (GRCh38, 1-based): chr11:47,339,697, G>A on the plus strand (C>T on the coding strand, the complement: MYBPC3 is on the minus strand). VCF-style: chr11-47339697-G-A. GRCh37 (hg19) VCF-style: chr11-47361248-G-A.
Other names: short protein forms S674F.
Identifiers: ClinVar variation 4614580 (VCV004614580.1).

ClinVar aggregate classification (germline): Uncertain significance (1 of 4 stars; one submission).

Conditions:
Cardiovascular phenotype. Identifiers: MedGen CN230736.

Submission:

Ambry Genetics
Classification: Uncertain significance for Cardiovascular phenotype. Last evaluated: 2025-09-28. Review status: criteria provided, single submitter. Criteria: Ambry Variant Classification Scheme 2023. Collection method: clinical testing. Allele origin: germline.
Comment: The p.S674F variant (also known as c.2021C>T), located in coding exon 21 of the MYBPC3 gene, results from a C to T substitution at nucleotide position 2021. The serine at codon 674 is replaced by phenylalanine, an amino acid with highly dissimilar properties. This amino acid position is conserved. In addition, the in silico prediction for this alteration is inconclusive. Based on the available evidence, the clinical significance of this variant remains unclear.